The following is an entry in ClinVar:

ClinVar aggregate classification (germline): Likely pathogenic (1 of 4 stars; one submission).

Conditions:
Rhabdoid tumor predisposition syndrome 2 (RTPS2). Identifiers: Orphanet 231108, Orphanet 69077, MedGen C2750074, MONDO:0013224, OMIM 613325.

Submission:

Labcorp Genetics (formerly Invitae), Labcorp
Classification: Likely pathogenic for Rhabdoid tumor predisposition syndrome 2. Last evaluated: 2018-01-24. Review status: criteria provided, single submitter. Criteria: Invitae Variant Classification Sherloc (09022015). Collection method: clinical testing. Allele origin: germline.
Comment: This variant is not present in population databases (ExAC no frequency). This variant has not been reported in the literature in individuals with SMARCA4-related disease. Donor and acceptor splice site variants typically lead to a loss of protein function (PMID: 16199547), and loss-of-function variants in SMARCA4 are known to be pathogenic (PMID: 24658001, 24658002). In summary, the currently available evidence indicates that the variant is pathogenic, but additional data are needed to prove that conclusively. Therefore, this variant has been classified as Likely Pathogenic. This sequence change affects an acceptor splice site in intron 13 of the SMARCA4 gene. It is expected to disrupt RNA splicing and likely results in an absent or disrupted protein product.

Literature cited by the submitters: PubMed 16199547; PubMed 24658001; PubMed 24658002.

NM_003072.5(SMARCA4):c.2002-2A>G

Gene: SMARCA4 (SWI/SNF related BAF chromatin remodeling complex subunit ATPase 4; plus strand). Cytogenetic location: 19p13.2.
Variant type: single nucleotide variant.
Coding change: c.2002-2A>G on transcript NM_003072.5 (MANE Select); the canonical splice acceptor site of the intron before coding-DNA position 2002, A replaced by G.
Molecular consequence: splice acceptor variant.
Genome position (GRCh38, 1-based): chr19:11,007,900, A>G. VCF-style: chr19-11007900-A-G. GRCh37 (hg19) VCF-style: chr19-11118576-A-G.
Other names: c.2002-2A>G (NM_001128844.3, NM_001128849.3, NM_001128847.4 and 6 more transcripts).
Identifiers: ClinVar variation 583116 (VCV000583116.7), dbSNP rs1568462513, ClinGen allele CA404052354.
Genomic context (GRCh38, chr19:11,007,900, plus strand): 5'-GGGAGTCCCGTCCCCCCTCTCTGGGGGATGAACTGAGGTGACATGGGCTTGTCTCTTGGT[A>G]GGAGGAGGAGGAAGAGCAGCCGCAGGCAGCACAGCCTCCCACCCTGCCCGTGGAGGAGAA-3'